The following is an entry in ClinVar:

ClinVar aggregate classification (germline): Uncertain significance (1 of 4 stars; one submission).

Conditions:
Neuropathy, hereditary sensory and autonomic, type 2A (HSAN2A). Also called: ACROOSTEOLYSIS, GIACCAI TYPE; ACROOSTEOLYSIS, NEUROGENIC; MORVAN DISEASE; NEUROPATHY, CONGENITAL SENSORY; NEUROPATHY, HEREDITARY SENSORY RADICULAR, AUTOSOMAL RECESSIVE; NEUROPATHY, HEREDITARY SENSORY, TYPE IIA. Identifiers: Orphanet 970, MedGen C2752089, MONDO:0024309, OMIM 201300.
Pseudohypoaldosteronism type 2C (PHA2C). Also called: Pseudohypoaldosteronism Type IIC. Identifiers: Orphanet 757, Orphanet 88940, MedGen C1840391, MONDO:0013778, OMIM 614492.

gnomAD v4.1: 34 of 1,613,220 alleles (0.0021%); highest among the groups gnomAD compares: Non-Finnish European, 0.0028%; no homozygotes.

Submission:

Labcorp Genetics (formerly Invitae), Labcorp
Classification: Uncertain significance for Neuropathy, hereditary sensory and autonomic, type 2A; Pseudohypoaldosteronism type 2C. Last evaluated: 2024-03-04. Review status: criteria provided, single submitter. Criteria: Invitae Variant Classification Sherloc (09022015). Collection method: clinical testing. Allele origin: germline.
Comment: This sequence change replaces alanine, which is neutral and non-polar, with threonine, which is neutral and polar, at codon 499 of the WNK1 protein (p.Ala499Thr). This variant is not present in population databases (gnomAD no frequency). This variant has not been reported in the literature in individuals affected with WNK1-related conditions. Advanced modeling of protein sequence and biophysical properties (such as structural, functional, and spatial information, amino acid conservation, physicochemical variation, residue mobility, and thermodynamic stability) performed at Invitae indicates that this missense variant is not expected to disrupt WNK1 protein function with a negative predictive value of 95%. In summary, the available evidence is currently insufficient to determine the role of this variant in disease. Therefore, it has been classified as a Variant of Uncertain Significance.

NM_018979.4(WNK1):c.1495G>A (p.Ala499Thr)

Gene: WNK1 (WNK lysine deficient protein kinase 1; plus strand). Cytogenetic location: 12p13.33.
Variant type: single nucleotide variant.
Coding change: c.1495G>A on transcript NM_018979.4 (MANE Select); coding-DNA position 1495, G replaced by A.
Protein change: p.Ala499Thr; replaces alanine 499 with threonine.
Molecular consequence: missense variant.
Genome position (GRCh38, 1-based): chr12:859,339, G>A. VCF-style: chr12-859339-G-A. GRCh37 (hg19) VCF-style: chr12-968505-G-A.
Other names: c.1495G>A, p.Ala499Thr (NM_001184985.2, NM_014823.3, NM_213655.5); short protein forms A499T.
Identifiers: ClinVar variation 3749618 (VCV003749618.2).